The following is an entry in ClinVar:

NM_001458.5(FLNC):c.4880G>A (p.Arg1627His)

Gene: FLNC (filamin C; plus strand). Cytogenetic location: 7q32.1.
Variant type: single nucleotide variant.
Coding change: c.4880G>A on transcript NM_001458.5 (MANE Select); coding-DNA position 4880, G replaced by A.
Protein change: p.Arg1627His; replaces arginine 1627 with histidine.
Molecular consequence: missense variant.
Genome position (GRCh38, 1-based): chr7:128,848,935, G>A. VCF-style: chr7-128848935-G-A. GRCh37 (hg19) VCF-style: chr7-128488989-G-A.
Other names: c.4880G>A, p.Arg1627His (NM_001127487.2); short protein forms R1627H.
Identifiers: ClinVar variation 289910 (VCV000289910.60), dbSNP rs751592993, ClinGen allele CA10606594.

ClinVar aggregate classification (germline): Conflicting classifications of pathogenicity. Review status: criteria provided, conflicting classifications (1 of 4 stars). 7 submissions from 7 submitters: Uncertain significance (5); Likely benign (2). Last evaluated 2026-07-28.

Conditions:
Hypertrophic cardiomyopathy 26. Also called: Cardiomyopathy, familial hypertrophic, 26. Identifiers: Orphanet 75249, MedGen C4310749, MONDO:0014883, OMIM 617047.
Distal myopathy with posterior leg and anterior hand involvement. Also called: WILLIAMS DISTAL MYOPATHY. Identifiers: Orphanet 63273, MedGen C3279722, MONDO:0013550, OMIM 614065.
Myofibrillar myopathy 5. Also called: Filaminopathy (type); FILAMINOPATHY, AUTOSOMAL DOMINANT. Identifiers: Orphanet 171445, MedGen C1836050, MONDO:0012289, OMIM 609524.
FLNC-related disorder. Also called: FLNC-related condition; FLNC-related disorders.
Cardiovascular phenotype. Identifiers: MedGen CN230736.

Allele frequency attached by ClinVar (database versions not stated): gnomAD exomes 0.00002; gnomAD 0.00003 and 0.00004; TOPMed 0.00005.
gnomAD v4.1: 39 of 1,613,518 alleles (0.0024%); highest among the groups gnomAD compares: Middle Eastern, 0.066%; no homozygotes.

Submissions (7):

PreventionGenetics, part of Exact Sciences
Classification: Uncertain significance for FLNC-related condition. Last evaluated: 2026-07-28. Review status: criteria provided, single submitter. Criteria: ACMG Guidelines, 2015. Collection method: clinical testing. Allele origin: germline.
Comment: The FLNC c.4880G>A variant is predicted to result in the amino acid substitution p.Arg1627His. To our knowledge, this variant has not been reported in the literature. This variant is reported in 0.0083% of alleles in individuals of African descent in gnomAD. At this time, the clinical significance of this variant is uncertain due to the absence of conclusive functional and genetic evidence.

Labcorp Genetics (formerly Invitae), Labcorp
Classification: Likely benign for Distal myopathy with posterior leg and anterior hand involvement; Myofibrillar myopathy 5; Hypertrophic cardiomyopathy 26. Last evaluated: 2025-12-31. Review status: criteria provided, single submitter. Criteria: Invitae Variant Classification Sherloc (09022015). Collection method: clinical testing. Allele origin: germline.

Ambry Genetics
Classification: Uncertain significance for Cardiovascular phenotype. Last evaluated: 2025-05-21. Review status: criteria provided, single submitter. Criteria: Ambry Variant Classification Scheme 2023. Collection method: clinical testing. Allele origin: germline.
Comment: The p.R1627H variant (also known as c.4880G>A), located in coding exon 28 of the FLNC gene, results from a G to A substitution at nucleotide position 4880. The arginine at codon 1627 is replaced by histidine, an amino acid with highly similar properties. This amino acid position is well conserved in available vertebrate species. In addition, the in silico prediction for this alteration is inconclusive. Based on the available evidence, the clinical significance of this variant remains unclear.

GeneDx
Classification: Uncertain significance. Last evaluated: 2024-09-10. Review status: criteria provided, single submitter. Criteria: GeneDx Variant Classification Process June 2021. Collection method: clinical testing. Allele origin: germline. Affected: yes.
Comment: In silico analysis supports that this missense variant has a deleterious effect on protein structure/function; Has not been previously published as pathogenic or benign to our knowledge

Blueprint Genetics
Classification: Likely benign. Last evaluated: 2024-06-20. Review status: criteria provided, single submitter. Criteria: ACMG Guidelines, 2015. Collection method: clinical testing. Allele origin: germline.

CeGaT Center for Human Genetics Tuebingen
Classification: Uncertain significance. Last evaluated: 2018-03-01. Review status: criteria provided, single submitter. Criteria: CeGaT Center For Human Genetics Tuebingen Variant Classification Criteria Version 2. Collection method: clinical testing. Allele origin: germline. Affected: yes. Observed: 1 variant allele.

Eurofins Ntd Llc (ga)
Classification: Uncertain significance. Last evaluated: 2016-08-11. Review status: criteria provided, single submitter. Criteria: EGL Classification Definitions 2015. Collection method: clinical testing. Allele origin: germline. Observed: 1 variant allele, 1 heterozygote.